The following is an entry in ClinVar:

NM_013314.4(BLNK):c.923T>C (p.Ile308Thr)

Genes: BLNK (B cell linker; minus strand), ZNF518A (zinc finger protein 518A; plus strand). Cytogenetic location: 10q24.1.
Variant type: single nucleotide variant.
Coding change: c.923T>C on transcript NM_013314.4 (MANE Select); coding-DNA position 923, T replaced by C.
Protein change: p.Ile308Thr; replaces isoleucine 308 with threonine.
Molecular consequence: missense variant. On other transcripts: non-coding transcript variant (5).
Genome position (GRCh38, 1-based): chr10:96,204,068, A>G on the plus strand (T>C on the coding strand, the complement: BLNK is on the minus strand). VCF-style: chr10-96204068-A-G. GRCh37 (hg19) VCF-style: chr10-97963824-A-G.
Other names: c.854T>C, p.Ile285Thr (NM_001114094.2, NM_001258441.2); c.923T>C, p.Ile308Thr (NM_001258440.2); c.608T>C, p.Ile203Thr (NM_001258442.2); short protein forms I308T, I203T, I285T.
Identifiers: ClinVar variation 444234 (VCV000444234.54), dbSNP rs144266674, ClinGen allele CA5623258.
Genomic context (GRCh38, chr10:96,204,068, plus strand): 5'-TCCAGCCTCGACCACTCCCTGATACACTACATGGCTTCGTTGTACTTACTTGGCAGAGGT[A>G]TGGGTTTTTGGTGGATTTGTCTGCAAGAAAGAATTTCAGATAATTAAAGGACAAAGCACA-3'
Protein context (NP_037446.1, residues 298-318): PAQKQIHQKP[Ile308Thr]PLPRFTEGGN

ClinVar aggregate classification (germline): Conflicting classifications of pathogenicity. Review status: criteria provided, conflicting classifications (1 of 4 stars). 4 submissions from 4 submitters: Uncertain significance (1); Likely benign (3). Last evaluated 2026-01-05.

Conditions:
Agammaglobulinemia 4, autosomal recessive (AGM4). Also called: AGAMMAGLOBULINEMIA, AUTOSOMAL RECESSIVE, DUE TO BLNK DEFECT; B cell linker protein deficiency. Identifiers: MedGen C3150752, MONDO:0013289, OMIM 613502.

Allele frequency attached by ClinVar (database versions not stated): 1000 Genomes Project 30x 0.00031; 1000 Genomes Project 0.00040; TOPMed 0.00054; ESP Exome Variant Server 0.00069; gnomAD 0.00084 and 0.00087; gnomAD exomes 0.00093 and 0.00153; ExAC 0.00171.
gnomAD v4.1: 1,527 of 1,613,642 alleles (0.095%); highest among the groups gnomAD compares: Middle Eastern, 0.21%; 5 homozygotes.

Submissions (4):

Labcorp Genetics (formerly Invitae), Labcorp
Classification: Likely benign for Agammaglobulinemia 4, autosomal recessive. Last evaluated: 2026-01-05. Review status: criteria provided, single submitter. Criteria: Invitae Variant Classification Sherloc (09022015). Collection method: clinical testing. Allele origin: germline.

Blueprint Genetics
Classification: Likely benign. Last evaluated: 2024-11-25. Review status: criteria provided, single submitter. Criteria: ACMG Guidelines, 2015. Collection method: clinical testing. Allele origin: germline.

ARUP Laboratories, Molecular Genetics and Genomics, ARUP Laboratories
Classification: Uncertain significance for Agammaglobulinemia 4, autosomal recessive. Last evaluated: 2024-11-01. Review status: criteria provided, single submitter. Criteria: ARUP Molecular Germline Variant Investigation Process 2024. Collection method: clinical testing. Allele origin: germline.
Comment: The BLNK c.923T>C; p.Ile308Thr variant (rs144266674), to our knowledge, is not reported in the medical literature but is reported in ClinVar (Variation ID: 444234). This variant is found in the general population with an overall allele frequency of 0.15% (430/282860 alleles, including 3 homozygotes) in the Genome Aggregation Database (v2.1.1). Computational analyses are uncertain whether this variant is neutral or deleterious (REVEL: 0.155). While the high population frequency suggests that this is likely a benign variant, given the lack of clinical and functional data, the significance of this variant is uncertain at this time.

CeGaT Center for Human Genetics Tuebingen
Classification: Likely benign. Last evaluated: 2024-01-01. Review status: criteria provided, single submitter. Criteria: CeGaT Center For Human Genetics Tuebingen Variant Classification Criteria Version 2. Collection method: clinical testing. Allele origin: germline. Affected: yes. Observed: 2 variant alleles.
Comment: BLNK: BP4, BS2